The following is an entry in ClinVar:

NM_001367624.2(ZNF469):c.8105T>A (p.Val2702Glu)

Gene: ZNF469 (zinc finger protein 469; plus strand). Cytogenetic location: 16q24.2.
Variant type: single nucleotide variant.
Coding change: c.8105T>A on transcript NM_001367624.2 (MANE Select); coding-DNA position 8105, T replaced by A.
Protein change: p.Val2702Glu; replaces valine 2702 with glutamic acid.
Molecular consequence: missense variant.
Genome position (GRCh38, 1-based): chr16:88,435,575, T>A. VCF-style: chr16-88435575-T-A. GRCh37 (hg19) VCF-style: chr16-88501983-T-A.
Other names: NM_001127464.1:c.8021T>A; short protein forms V2702E.
Identifiers: ClinVar variation 3232859 (VCV003232859.1), dbSNP rs1243013696, ClinGen allele CA397115935.

ClinVar aggregate classification (germline): Uncertain significance (1 of 4 stars; one submission).

Conditions:
Cardiovascular phenotype. Identifiers: MedGen CN230736.

Submission:

Ambry Genetics
Classification: Uncertain significance for Cardiovascular phenotype. Last evaluated: 2024-01-01. Review status: criteria provided, single submitter. Criteria: Ambry Variant Classification Scheme 2023. Collection method: clinical testing. Allele origin: germline.
Comment: The p.V2674E variant (also known as c.8021T>A), located in coding exon 2 of the ZNF469 gene, results from a T to A substitution at nucleotide position 8021. The valine at codon 2674 is replaced by glutamic acid, an amino acid with dissimilar properties. This amino acid position is conserved. In addition, this alteration is predicted to be tolerated by in silico analysis. Since supporting evidence is limited at this time, the clinical significance of this alteration remains unclear.